The following is an entry in ClinVar:

ClinVar aggregate classification (germline): Likely pathogenic. Review status: criteria provided, single submitter (1 of 4 stars). 2 submissions from 2 submitters: Likely pathogenic (1). 1 of the submissions does not count toward it. Last evaluated 2023-10-27.

Conditions:
Primary hyperoxaluria, type I (HP1). Also called: OXALOSIS I; Primary hyperoxaluria type 1; GLYCOLIC ACIDURIA; HEPATIC AGT DEFICIENCY. Identifiers: Orphanet 416, Orphanet 93598, MedGen C0268164, MONDO:0009823, OMIM 259900. Disease mechanism: loss of function.

Submissions (2):

Clinical Biochemistry Laboratory, Health Services Laboratory
Classification: Likely pathogenic for Primary hyperoxaluria, type I. Last evaluated: 2023-10-27. Review status: criteria provided, single submitter. Criteria: ACMG Guidelines, 2015. Collection method: curation. Allele origin: germline. Affected: yes.
Comment: ACMG:PM1 PM2 PP3 PP4

Chinese Inherited Urolithiasis Consortium, The Affiliated Yantai Yuhuangding Hospital of Qingdao University
Classification: Likely pathogenic for Primary hyperoxaluria, type I. Last evaluated: 2024-08-26. Review status: no assertion criteria provided. Collection method: clinical testing. Allele origin: paternal. Affected: yes. Observed: 1 variant allele. Not counted in ClinVar's aggregate classification.

Literature cited by the submitters: PubMed 37139236 (cited by Clinical Biochemistry Laboratory, Health Services Laboratory).

NM_000030.3(AGXT):c.632T>G (p.Leu211Arg)

Gene: AGXT (alanine--glyoxylate aminotransferase; plus strand). Cytogenetic location: 2q37.3.
Variant type: single nucleotide variant.
Coding change: c.632T>G on transcript NM_000030.3 (MANE Select); coding-DNA position 632, T replaced by G.
Protein change: p.Leu211Arg; replaces leucine 211 with arginine.
Molecular consequence: missense variant.
Genome position (GRCh38, 1-based): chr2:240,874,014, T>G. VCF-style: chr2-240874014-T-G. GRCh37 (hg19) VCF-style: chr2-241813431-T-G.
Other names: short protein forms L211R.
Identifiers: ClinVar variation 2681181 (VCV002681181.3), dbSNP rs2528753217, ClinGen allele CA351316895.